The following is an entry in ClinVar:

NM_001127453.2(GSDME):c.1218T>C (p.Thr406=)

Gene: GSDME (gasdermin E; minus strand). Cytogenetic location: 7p15.3.
Variant type: single nucleotide variant.
Coding change: c.1218T>C on transcript NM_001127453.2 (MANE Select); coding-DNA position 1218, T replaced by C.
Protein change: p.Thr406=; no amino-acid change (threonine 406 retained).
Molecular consequence: synonymous variant.
Genome position (GRCh38, 1-based): chr7:24,702,799, A>G on the plus strand (T>C on the coding strand, the complement: GSDME is on the minus strand). VCF-style: chr7-24702799-A-G. GRCh37 (hg19) VCF-style: chr7-24742418-A-G.
Other names: c.726T>C, p.Thr242= (NM_001127454.2); c.1218T>C, p.Thr406= (NM_004403.3).
Identifiers: ClinVar variation 180085 (VCV000180085.6), dbSNP rs727505338, ClinGen allele CA185777.

ClinVar aggregate classification (germline): Likely benign. Review status: criteria provided, multiple submitters, no conflicts (2 of 4 stars). 3 submissions from 3 submitters: Likely benign (3). Last evaluated 2025-10-21.

Allele frequency attached by ClinVar (database versions not stated): gnomAD exomes 0.00001; TOPMed 0.00001.
gnomAD v4.1: 20 of 1,613,674 alleles (0.0012%); highest among the groups gnomAD compares: South Asian, 0.0022%; no homozygotes.

Submissions (3):

Labcorp Genetics (formerly Invitae), Labcorp
Classification: Likely benign. Last evaluated: 2025-10-21. Review status: criteria provided, single submitter. Criteria: Invitae Variant Classification Sherloc (09022015). Collection method: clinical testing. Allele origin: germline.

Blueprint Genetics
Classification: Likely benign. Last evaluated: 2022-06-08. Review status: criteria provided, single submitter. Criteria: ACMG Guidelines, 2015. Collection method: clinical testing. Allele origin: germline.

Laboratory for Molecular Medicine, Mass General Brigham Personalized Medicine
Classification: Likely benign. Last evaluated: 2014-12-02. Review status: criteria provided, single submitter. Criteria: LMM Criteria. Collection method: clinical testing. Allele origin: germline. Observed: 1 variant allele.
Comment: p.Thr406Thr in Exon 9 of DFNA5: This variant is not expected to have clinical si gnificance because it does not alter an amino acid residue and is not located wi thin the splice consensus sequence.